The following is an entry in ClinVar:

NM_005876.5(SPEG):c.5871T>G (p.Asp1957Glu)

Genes: ASIC4-AS1 (ASIC4 antisense RNA 1; minus strand), SPEG (striated muscle enriched protein kinase; plus strand). Cytogenetic location: 2q35.
Variant type: single nucleotide variant.
Coding change: c.5871T>G on transcript NM_005876.5 (MANE Select); coding-DNA position 5871, T replaced by G.
Protein change: p.Asp1957Glu; replaces aspartic acid 1957 with glutamic acid.
Molecular consequence: missense variant.
Genome position (GRCh38, 1-based): chr2:219,483,334, T>G. VCF-style: chr2-219483334-T-G. GRCh37 (hg19) VCF-style: chr2-220348056-T-G.
Other names: c.5871T>G (NM_005876.4); short protein forms D1957E.
Identifiers: ClinVar variation 2651923 (VCV002651923.26), dbSNP rs1461524592, ClinGen allele CA350693972.

ClinVar aggregate classification (germline): Uncertain significance. Review status: criteria provided, multiple submitters, no conflicts (2 of 4 stars). 3 submissions from 3 submitters: Uncertain significance (3). Last evaluated 2025-11-12.

Conditions:
Inborn genetic diseases. Identifiers: MedGen C0950123, MeSH D030342.

Allele frequency attached by ClinVar (database versions not stated): TOPMed 0.00002; gnomAD 0.00003.
gnomAD v4.1: 29 of 1,606,098 alleles (0.0018%); highest among the groups gnomAD compares: Non-Finnish European, 0.0024%; no homozygotes.

Submissions (3):

Ambry Genetics
Classification: Uncertain significance for Inborn genetic diseases. Last evaluated: 2025-11-12. Review status: criteria provided, single submitter. Criteria: Ambry Variant Classification Scheme 2023. Collection method: clinical testing. Allele origin: germline.

Labcorp Genetics (formerly Invitae), Labcorp
Classification: Uncertain significance. Last evaluated: 2024-10-10. Review status: criteria provided, single submitter. Criteria: Invitae Variant Classification Sherloc (09022015). Collection method: clinical testing. Allele origin: germline.
Comment: This sequence change replaces aspartic acid, which is acidic and polar, with glutamic acid, which is acidic and polar, at codon 1957 of the SPEG protein (p.Asp1957Glu). This variant is present in population databases (no rsID available, gnomAD 0.004%). This variant has not been reported in the literature in individuals affected with SPEG-related conditions. ClinVar contains an entry for this variant (Variation ID: 2651923). An algorithm developed to predict the effect of missense changes on protein structure and function outputs the following: PolyPhen-2: "Benign". The glutamic acid amino acid residue is found in multiple mammalian species, which suggests that this missense change does not adversely affect protein function. In summary, the available evidence is currently insufficient to determine the role of this variant in disease. Therefore, it has been classified as a Variant of Uncertain Significance.

CeGaT Center for Human Genetics Tuebingen
Classification: Uncertain significance. Last evaluated: 2023-03-01. Review status: criteria provided, single submitter. Criteria: CeGaT Center For Human Genetics Tuebingen Variant Classification Criteria Version 2. Collection method: clinical testing. Allele origin: germline. Affected: yes. Observed: 1 variant allele.
Comment: SPEG: PM2, BP1